The following is an entry in ClinVar:

NM_006262.4(PRPH):c.1376G>A (p.Arg459His)

Genes: PRPH (peripherin; plus strand), TROAP-AS1 (TROAP and PRPH antisense RNA 1; minus strand). Cytogenetic location: 12q13.12.
Variant type: single nucleotide variant.
Coding change: c.1376G>A on transcript NM_006262.4 (MANE Select); coding-DNA position 1376, G replaced by A.
Protein change: p.Arg459His; replaces arginine 459 with histidine.
Molecular consequence: missense variant.
Genome position (GRCh38, 1-based): chr12:49,298,316, G>A. VCF-style: chr12-49298316-G-A. GRCh37 (hg19) VCF-style: chr12-49692099-G-A.
Other names: short protein forms R459H.
Identifiers: ClinVar variation 1305199 (VCV001305199.2), dbSNP rs982729267, ClinGen allele CA384699901.
Genomic context (GRCh38, chr12:49,298,316, plus strand): 5'-CTTGTGCCCATCATATGCCCTGTCCCCAGCAGGTGGTGACAGAGTCCCAGAAGGAGCAGC[G>A]CAGTGAGCTGGACAAGTCTTCTGCCCACAGTTACTGAACCCCTTGGTCCGGAGCCTTGAC-3'
Protein context (NP_006253.2, residues 449-469): EVVTESQKEQ[Arg459His]SELDKSSAHS

ClinVar aggregate classification (germline): Uncertain significance (1 of 4 stars; one submission).

Allele frequency attached by ClinVar (database versions not stated): gnomAD 0.00001; gnomAD exomes 0.00001.
gnomAD v4.1: 34 of 1,614,050 alleles (0.0021%); highest among the groups gnomAD compares: Non-Finnish European, 0.0027%; no homozygotes.

Submission:

GeneDx
Classification: Uncertain significance. Last evaluated: 2019-04-18. Review status: criteria provided, single submitter. Criteria: GeneDx Variant Classification Process June 2021. Collection method: clinical testing. Allele origin: germline. Affected: yes.
Comment: In silico analysis, which includes protein predictors and evolutionary conservation, supports that this variant does not alter protein structure/function; Has not been previously published as pathogenic or benign to our knowledge